The following is an entry in ClinVar:

NM_003721.4(RFXANK):c.240dup (p.Glu81fs)

Gene: RFXANK (regulatory factor X associated ankyrin containing protein; plus strand). Cytogenetic location: 19p13.11.
Variant type: Duplication.
Coding change: c.240dup on transcript NM_003721.4 (MANE Select); coding-DNA position 240, one base duplicated (C; older notation c.240dupC).
Protein change: p.Glu81fs; shifts the reading frame from glutamic acid 81.
Molecular consequence: frameshift variant.
Genome position (GRCh38, 1-based): chr19:19,197,015, C duplicated. VCF-style (leftmost placement, unchanged base first): chr19-19197014-A-AC. GRCh37 (hg19) VCF-style: chr19-19307823-A-AC.
Other names: c.240dup, p.Glu81fs (NM_001278727.2, NM_001370233.1, NM_001370234.1 and 1 more transcripts); c.237dup, p.Glu80fs (NM_001278728.2, NM_001370235.1, NM_001370236.1 and 2 more transcripts); short protein forms E80fs, E81fs.
Identifiers: ClinVar variation 4711935 (VCV004711935.1).
Genomic context (GRCh38, chr19:19,197,014, plus strand): 5'-GTTTCCCAGCAGGCAGCTCCCTGAAGCACTCCACCACTCTCACCAACCGGCAGCGAGGGA[A>AC]CGAGGTGTCAGCTCTGCCGGCCACCCTAGACTGTGAGTGGGCCCACGGTCCCCAACAAGG-3'

ClinVar aggregate classification (germline): Pathogenic (1 of 4 stars; one submission).

Conditions:
MHC class II deficiency. Also called: BLS, TYPE II; Bare lymphocyte syndrome 2. Identifiers: Orphanet 572, MedGen C5447452, MONDO:0008855.

Submission:

Labcorp Genetics (formerly Invitae), Labcorp
Classification: Pathogenic for MHC class II deficiency. Last evaluated: 2025-02-10. Review status: criteria provided, single submitter. Criteria: Invitae Variant Classification Sherloc (09022015). Collection method: clinical testing. Allele origin: germline.
Comment: This sequence change creates a premature translational stop signal (p.Glu81Argfs*34) in the RFXANK gene. It is expected to result in an absent or disrupted protein product. Loss-of-function variants in RFXANK are known to be pathogenic (PMID: 10803838, 16166641, 21908431). This variant is not present in population databases (gnomAD no frequency). This variant has not been reported in the literature in individuals affected with RFXANK-related conditions. For these reasons, this variant has been classified as Pathogenic.

Literature cited by the submitters: PubMed 10803838; PubMed 16166641; PubMed 21908431.